The following is an entry in ClinVar:

NM_001278116.2(L1CAM):c.2380C>T (p.Gln794Ter)

Gene: L1CAM (L1 cell adhesion molecule; minus strand). Cytogenetic location: Xq28.
Variant type: single nucleotide variant.
Coding change: c.2380C>T on transcript NM_001278116.2 (MANE Select); coding-DNA position 2380, C replaced by T.
Protein change: p.Gln794Ter; replaces glutamine 794 with a stop codon.
Molecular consequence: nonsense.
Genome position (GRCh38, 1-based): chrX:153,866,700, G>A on the plus strand (C>T on the coding strand, the complement: L1CAM is on the minus strand). VCF-style: chrX-153866700-G-A. GRCh37 (hg19) VCF-style: chrX-153132155-G-A.
Other names: c.2380C>T, p.Gln794Ter (NM_000425.5, NM_024003.3); c.2365C>T, p.Gln789Ter (NM_001143963.2); short protein forms Q794*, Q789*.
Identifiers: ClinVar variation 226120 (VCV000226120.3), dbSNP rs875989884, ClinGen allele CA10576254.

ClinVar aggregate classification (germline): Pathogenic/Likely pathogenic. Review status: criteria provided, multiple submitters, no conflicts (2 of 4 stars). 2 submissions from 2 submitters: Pathogenic (1); Likely pathogenic (1). Last evaluated 2022-04-07.

Conditions:
X-linked hydrocephalus syndrome (HYCX). Also called: AQUEDUCTAL STENOSIS, X-LINKED; X-Linked Hydrocephalus with Stenosis of the Aqueduct of Sylvius; X-linked hydrocephalus; X-Linked Hydrocephalus with Stenosis of the Aqueduct of Sylvius (HSAS); HYDROCEPHALUS, CONGENITAL, X-LINKED. Identifiers: Orphanet 2182, MedGen C0265216, MONDO:0010611, OMIM 307000.
L1 syndrome. Identifiers: Orphanet 275543, MedGen C5779710, MONDO:0017140.

Submissions (2):

Women's Health and Genetics/Laboratory Corporation of America, LabCorp
Classification: Likely pathogenic for L1 syndrome. Last evaluated: 2022-04-07. Review status: criteria provided, single submitter. Criteria: LabCorp Variant Classification Summary - May 2015. Collection method: clinical testing. Allele origin: germline.
Comment: Variant summary: L1CAM c.2380C>T (p.Gln794X) results in a premature termination codon, predicted to cause a truncation of the encoded protein or absence of the protein due to nonsense mediated decay, which are commonly known mechanisms for disease. Truncations downstream of this position have been classified as pathogenic by our laboratory. The variant was absent in 183249 control chromosomes (gnomAD). To our knowledge, no occurrence of c.2380C>T in individuals affected with L1 Syndrome and no experimental evidence demonstrating its impact on protein function have been reported. A ClinVar submitter (evaluation after 2014) cites the variant as pathogenic. Based on the evidence outlined above, the variant was classified as likely pathogenic.

Center of Genomic medicine, Geneva, University Hospital of Geneva
Classification: Pathogenic for X-linked hydrocephalus syndrome. Last evaluated: 2016-04-05. Review status: criteria provided, single submitter. Criteria: ACMG Guidelines, 2015. Collection method: clinical testing. Allele origin: maternal. Affected: yes.